The following is an entry in ClinVar:

ClinVar aggregate classification (germline): Uncertain significance (1 of 4 stars; one submission).

gnomAD v4.1: 1 of 1,613,410 alleles (0.000062%); highest among the groups gnomAD compares: Non-Finnish European, 0.000085%; no homozygotes.

Submission:

Ambry Genetics
Classification: Uncertain significance. Last evaluated: 2026-05-03. Review status: criteria provided, single submitter. Criteria: Ambry Variant Classification Scheme 2023. Collection method: clinical testing. Allele origin: germline.
Comment: The p.Y346C variant (also known as c.1037A>G), located in coding exon 6 of the CTNNA3 gene, results from an A to G substitution at nucleotide position 1037. The tyrosine at codon 346 is replaced by cysteine, an amino acid with highly dissimilar properties. This amino acid position is conserved. In addition, the in silico prediction for this alteration is inconclusive. Based on the available evidence, the clinical significance of this variant remains unclear.

NM_013266.4(CTNNA3):c.1037A>G (p.Tyr346Cys)

Gene: CTNNA3 (catenin alpha 3; minus strand). Cytogenetic location: 10q21.3.
Variant type: single nucleotide variant.
Coding change: c.1037A>G on transcript NM_013266.4 (MANE Select); coding-DNA position 1037, A replaced by G.
Protein change: p.Tyr346Cys; replaces tyrosine 346 with cysteine.
Molecular consequence: missense variant.
Genome position (GRCh38, 1-based): chr10:67,180,327, T>C on the plus strand (A>G on the coding strand, the complement: CTNNA3 is on the minus strand). VCF-style: chr10-67180327-T-C. GRCh37 (hg19) VCF-style: chr10-68940085-T-C.
Other names: c.1037A>G, p.Tyr346Cys (NM_001127384.3); c.1073A>G, p.Tyr358Cys (NM_001291133.2); short protein forms Y346C, Y358C.
Identifiers: ClinVar variation 4869503 (VCV004869503.1).